The following is an entry in ClinVar:

NM_152703.5(SAMD9L):c.2537A>G (p.Asp846Gly)

Gene: SAMD9L (sterile alpha motif domain containing 9 like; minus strand). Cytogenetic location: 7q21.2.
Variant type: single nucleotide variant.
Coding change: c.2537A>G on transcript NM_152703.5 (MANE Select); coding-DNA position 2537, A replaced by G.
Protein change: p.Asp846Gly; replaces aspartic acid 846 with glycine.
Molecular consequence: missense variant.
Genome position (GRCh38, 1-based): chr7:93,133,435, T>C on the plus strand (A>G on the coding strand, the complement: SAMD9L is on the minus strand). VCF-style: chr7-93133435-T-C. GRCh37 (hg19) VCF-style: chr7-92762748-T-C.
Other names: c.2537A>G, p.Asp846Gly (NM_001303496.3, NM_001303497.3, NM_001303498.3 and 5 more transcripts); short protein forms D846G.
Identifiers: ClinVar variation 2580593 (VCV002580593.1), dbSNP rs2535419584, ClinGen allele CA368187270.

ClinVar aggregate classification (germline): Uncertain significance (1 of 4 stars; one submission).

Submission:

GeneDx
Classification: Uncertain significance. Last evaluated: 2023-03-21. Review status: criteria provided, single submitter. Criteria: GeneDx Variant Classification Process June 2021. Collection method: clinical testing. Allele origin: germline. Affected: yes.
Comment: Not observed at significant frequency in large population cohorts (gnomAD); In silico analysis supports that this missense variant has a deleterious effect on protein structure/function; Has not been previously published as pathogenic or benign to our knowledge; This variant is associated with the following publications: (PMID: 28545555)